The following is an entry in ClinVar:

NM_182914.3(SYNE2):c.13001A>G (p.Gln4334Arg)

Gene: SYNE2 (spectrin repeat containing nuclear envelope protein 2; plus strand). Cytogenetic location: 14q23.2.
Variant type: single nucleotide variant.
Coding change: c.13001A>G on transcript NM_182914.3 (MANE Select); coding-DNA position 13001, A replaced by G.
Protein change: p.Gln4334Arg; replaces glutamine 4334 with arginine.
Molecular consequence: missense variant.
Genome position (GRCh38, 1-based): chr14:64,119,587, A>G. VCF-style: chr14-64119587-A-G. GRCh37 (hg19) VCF-style: chr14-64586305-A-G.
Other names: c.13001A>G, p.Gln4334Arg (NM_015180.6); short protein forms Q4334R.
Identifiers: ClinVar variation 2048954 (VCV002048954.4), dbSNP rs755489241, ClinGen allele CA7222301.
Genomic context (GRCh38, chr14:64,119,587, plus strand): 5'-CGCTTTCCCTGAAACTGAAAACAGTGAAGTGCAATTTAGAAAAAGTCCAGATGATGCTTC[A>G]GGAGAAGCACAGTGAAGATCAGGTAAAAAATGACTATCTATGGACATTCATCTTGATACA-3'
Protein context (NP_878918.2, residues 4324-4344): CNLEKVQMML[Gln4334Arg]EKHSEDQHPT

ClinVar aggregate classification (germline): Uncertain significance (1 of 4 stars; one submission).

Conditions:
Emery-Dreifuss muscular dystrophy 5, autosomal dominant (EDMD5). Also called: EMERY-DREIFUSS MUSCULAR DYSTROPHY 5. Identifiers: Orphanet 261, MedGen C2751805, MONDO:0013072, OMIM 612999.

Allele frequency attached by ClinVar (database versions not stated): TOPMed below 0.00001; ExAC 0.00001; gnomAD exomes 0.00001.
gnomAD v4.1: 4 of 1,614,162 alleles (0.00025%); highest among the groups gnomAD compares: Admixed American, 0.005%; no homozygotes.

Submission:

Labcorp Genetics (formerly Invitae), Labcorp
Classification: Uncertain significance for Emery-Dreifuss muscular dystrophy 5, autosomal dominant. Last evaluated: 2022-09-04. Review status: criteria provided, single submitter. Criteria: Invitae Variant Classification Sherloc (09022015). Collection method: clinical testing. Allele origin: germline.
Comment: Algorithms developed to predict the effect of missense changes on protein structure and function are either unavailable or do not agree on the potential impact of this missense change (SIFT: "Tolerated"; PolyPhen-2: "Probably Damaging"; Align-GVGD: "Class C0"). This variant has not been reported in the literature in individuals affected with SYNE2-related conditions. This variant is present in population databases (rs755489241, gnomAD 0.009%). This sequence change replaces glutamine, which is neutral and polar, with arginine, which is basic and polar, at codon 4334 of the SYNE2 protein (p.Gln4334Arg). In summary, the available evidence is currently insufficient to determine the role of this variant in disease. Therefore, it has been classified as a Variant of Uncertain Significance.